The following is an entry in ClinVar:

NM_004826.4(ECEL1):c.997C>T (p.Arg333Ter)

Gene: ECEL1 (endothelin converting enzyme like 1; minus strand). Cytogenetic location: 2q37.1.
Variant type: single nucleotide variant.
Coding change: c.997C>T on transcript NM_004826.4 (MANE Select); coding-DNA position 997, C replaced by T.
Protein change: p.Arg333Ter; replaces arginine 333 with a stop codon.
Molecular consequence: nonsense.
Genome position (GRCh38, 1-based): chr2:232,484,863, G>A on the plus strand (C>T on the coding strand, the complement: ECEL1 is on the minus strand). VCF-style: chr2-232484863-G-A. GRCh37 (hg19) VCF-style: chr2-233349573-G-A.
Other names: c.997C>T, p.Arg333Ter (NM_001290787.2); short protein forms R333*.
Identifiers: ClinVar variation 210910 (VCV000210910.18), dbSNP rs370167241, ClinGen allele CA206144.
Genomic context (GRCh38, chr2:232,484,863, plus strand): 5'-GGGGGGTGATCTTCTGCAGCTGCCCCAGCGTCACCTTGTTGTACATGGAGCTGACATCTC[G>A]CCGTAGGTCGTCATGCTCTGACACAGTGATCTGTGGGGAGAGATCACAGCTGACCCAGCC-3'

ClinVar aggregate classification (germline): Pathogenic. Review status: criteria provided, multiple submitters, no conflicts (2 of 4 stars). 8 submissions from 8 submitters: Pathogenic (8). Last evaluated 2025-03-13.

Conditions:
Distal arthrogryposis type 5D (DA5D). Identifiers: Orphanet 329457, MedGen C3554415, MONDO:0014028, OMIM 615065.

Allele frequency attached by ClinVar (database versions not stated): gnomAD exomes 0.00003; ExAC 0.00007; gnomAD 0.00014 and 0.00016; TOPMed 0.00019; ESP Exome Variant Server 0.00023.
gnomAD v4.1: 40 of 1,613,728 alleles (0.0025%); highest among the groups gnomAD compares: African/African-American, 0.043%; no homozygotes.

Submissions (8):

Variantyx, Inc.
Classification: Pathogenic for Distal arthrogryposis type 5D. Last evaluated: 2025-03-13. Review status: criteria provided, single submitter. Criteria: Variantyx Assertion Criteria 2022. Collection method: clinical testing. Allele origin: maternal.
Comment: This is a nonsense variant in the ECEL1 gene (OMIM: 605896). Pathogenic variants in this gene have been associated with autosomal recessive Distal arthrogryposis type 5D. This variant introduces a premature termination codon in exon 5 out of 18. It is expected to result in loss of function, which is a known disease mechanism for ECEL1 in this disorder (PVS1). This variant has been identified in the compound heterozygous state in at least 3 individual(s) from the published literature (PMID: 23236030, 33820833). This variant has a 0.0427% maximum allele frequency in non-founder control populations (PM2_Supporting). Based on the current evidence, this variant is classified as pathogenic for autosomal recessive Distal arthrogryposis type 5D.

Revvity Omics, Revvity
Classification: Pathogenic for Distal arthrogryposis type 5D. Last evaluated: 2024-03-26. Review status: criteria provided, single submitter. Criteria: ACMG Guidelines, 2015. Collection method: clinical testing. Allele origin: germline.

Illumina Laboratory Services, Illumina
Classification: Pathogenic for Distal arthrogryposis type 5D. Last evaluated: 2023-05-09. Review status: criteria provided, single submitter. Criteria: ICSLVariantClassificationCriteria RUGD 01 April 2020. Collection method: clinical testing. Allele origin: unknown.
Comment: The ECEL1 c.997C>T (p.Arg333Ter) nonsense variant is predicted to result in the loss of normal protein function through either protein truncation or nonsense-mediated mRNA decay. This variant has been identified in trans with a likely pathogenic variant in at least two unrelated individuals with a phenotype consistent with distal arthrogryposis type 5 (PMID: 23236030; 25173900; 33820833; 33672664). The highest frequency of this allele in the Genome Aggregation Database is 0.000459 in the African/African American population (version 3.1.2). This variant has been classified as pathogenic by at least three submitters in ClinVar and is observed in a homozygous state. Based on the available evidence, the c.997C>T (p.Arg333Ter) variant is classified as pathogenic for distal arthrogryposis type 5.

GeneDx
Classification: Pathogenic. Last evaluated: 2023-03-02. Review status: criteria provided, single submitter. Criteria: GeneDx Variant Classification Process June 2021. Collection method: clinical testing. Allele origin: germline. Affected: yes.
Comment: Nonsense variant predicted to result in protein truncation or nonsense mediated decay in a gene for which loss-of-function is a known mechanism of disease; This variant is associated with the following publications: (PMID: 25173900, 23236030, 33820833)

AiLife Diagnostics
Classification: Pathogenic. Last evaluated: 2022-03-16. Review status: criteria provided, single submitter. Criteria: ACMG Guidelines, 2015. Collection method: clinical testing. Allele origin: germline. Affected: yes. Observed: 1 variant allele.

Laboratorio de Genetica e Diagnostico Molecular, Hospital Israelita Albert Einstein
Classification: Pathogenic. Last evaluated: 2021-05-06. Review status: criteria provided, single submitter. Criteria: ACMG Guidelines, 2015. Collection method: clinical testing. Allele origin: germline. Affected: yes.
Comment: ACMG classification criteria: PVS1, PM2, PM3

Eurofins Ntd Llc (ga)
Classification: Pathogenic. Last evaluated: 2017-03-30. Review status: criteria provided, single submitter. Criteria: EGL Classification Definitions 2015. Collection method: clinical testing. Allele origin: germline. Observed: 2 variant alleles, 2 heterozygotes.

Genetic Services Laboratory, University of Chicago
Classification: Pathogenic for Arthrogryposis, distal, type 5D. Last evaluated: 2014-10-27. Review status: criteria provided, single submitter. Criteria: ACMG Guidelines, 2015. Collection method: clinical testing. Allele origin: germline. Affected: yes.

Literature cited by the submitters: PubMed 23236030 (cited by 3 submitters); PubMed 25173900 (cited by Illumina Laboratory Services, Illumina and AiLife Diagnostics); PubMed 33672664 (cited by Illumina Laboratory Services, Illumina); PubMed 33820833 (cited by Illumina Laboratory Services, Illumina).